The following is an entry in ClinVar:

NM_015047.3(EMC1):c.2969G>A (p.Arg990Gln)

Genes: EMC1 (ER membrane protein complex subunit 1; minus strand), EMC1-AS1 (EMC1 antisense RNA 1; plus strand). Cytogenetic location: 1p36.13.
Variant type: single nucleotide variant.
Coding change: c.2969G>A on transcript NM_015047.3 (MANE Select); coding-DNA position 2969, G replaced by A.
Protein change: p.Arg990Gln; replaces arginine 990 with glutamine.
Molecular consequence: missense variant.
Genome position (GRCh38, 1-based): chr1:19,219,316, C>T on the plus strand (G>A on the coding strand, the complement: EMC1 is on the minus strand). VCF-style: chr1-19219316-C-T. GRCh37 (hg19) VCF-style: chr1-19545810-C-T.
Other names: c.2966G>A, p.Arg989Gln (NM_001271427.2, NM_001271428.2); c.2903G>A, p.Arg968Gln (NM_001271429.2); c.2978G>A, p.Arg993Gln (NM_001375820.1); c.2975G>A, p.Arg992Gln (NM_001375821.1); short protein forms R968Q, R992Q, R993Q, R989Q, R990Q.
Identifiers: ClinVar variation 1525107 (VCV001525107.6), dbSNP rs763991776, ClinGen allele CA652108.

ClinVar aggregate classification (germline): Uncertain significance (1 of 4 stars; one submission).

Allele frequency attached by ClinVar (database versions not stated): TOPMed below 0.00001; gnomAD 0.00001.
gnomAD v4.1: 30 of 1,613,874 alleles (0.0019%); highest among the groups gnomAD compares: Admixed American, 0.0033%; no homozygotes.

Submission:

Labcorp Genetics (formerly Invitae), Labcorp
Classification: Uncertain significance. Last evaluated: 2024-10-28. Review status: criteria provided, single submitter. Criteria: Invitae Variant Classification Sherloc (09022015). Collection method: clinical testing. Allele origin: germline.
Comment: This sequence change replaces arginine, which is basic and polar, with glutamine, which is neutral and polar, at codon 990 of the EMC1 protein (p.Arg990Gln). This variant is present in population databases (rs763991776, gnomAD 0.003%). This variant has not been reported in the literature in individuals affected with EMC1-related conditions. ClinVar contains an entry for this variant (Variation ID: 1525107). Invitae Evidence Modeling of protein sequence and biophysical properties (such as structural, functional, and spatial information, amino acid conservation, physicochemical variation, residue mobility, and thermodynamic stability) indicates that this missense variant is not expected to disrupt EMC1 protein function with a negative predictive value of 80%. In summary, the available evidence is currently insufficient to determine the role of this variant in disease. Therefore, it has been classified as a Variant of Uncertain Significance.